The following is an entry in ClinVar:

NM_015937.6(PIGT):c.607G>C (p.Val203Leu)

Gene: PIGT (phosphatidylinositol glycan anchor biosynthesis class T; plus strand). Cytogenetic location: 20q13.12.
Variant type: single nucleotide variant.
Coding change: c.607G>C on transcript NM_015937.6 (MANE Select); coding-DNA position 607, G replaced by C.
Protein change: p.Val203Leu; replaces valine 203 with leucine.
Molecular consequence: missense variant. On other transcripts: non-coding transcript variant (5).
Genome position (GRCh38, 1-based): chr20:45,419,516, G>C. VCF-style: chr20-45419516-G-C. GRCh37 (hg19) VCF-style: chr20-44048156-G-C.
Other names: c.439G>C, p.Val147Leu (NM_001184728.3); c.607G>C, p.Val203Leu (NM_001184729.3); c.301G>C, p.Val101Leu (NM_001184730.3); short protein forms V101L, V147L, V203L.
Identifiers: ClinVar variation 3895505 (VCV003895505.2).
Genomic context (GRCh38, chr20:45,419,516, plus strand): 5'-CCAAGTGCTCCATACAGGGCTTCTCTTATCTCTTTCCATCTCCTCCAGGCAGGCCTCTCT[G>C]TGCTGCTGAAGGCAGATCGCTTGTTCCACACCAGCTACCACTCCCAGGCAGTGCATATCC-3'
Protein context (NP_057021.2, residues 193-213): LPCSSKAGLS[Val203Leu]LLKADRLFHT

ClinVar aggregate classification (germline): Uncertain significance (1 of 4 stars; one submission).

Conditions:
Multiple congenital anomalies-hypotonia-seizures syndrome 3 (MCAHS3). Also called: GLYCOSYLPHOSPHATIDYLINOSITOL BIOSYNTHESIS DEFECT 7. Identifiers: Orphanet 369837, MedGen C3809356, MONDO:0014165, OMIM 615398.

gnomAD v4.1: 6 of 1,614,200 alleles (0.00037%); highest among the groups gnomAD compares: South Asian, 0.0033%; no homozygotes.

Submission:

Neuberg Centre For Genomic Medicine, NCGM
Classification: Uncertain significance for Multiple congenital anomalies-hypotonia-seizures syndrome 3. Last evaluated: 2024-02-01. Review status: criteria provided, single submitter. Criteria: ACMG Guidelines, 2015. Collection method: clinical testing. Allele origin: germline. Inheritance: Autosomal recessive inheritance. Affected: yes.
Comment: The missense c.607G>C (p.Val203Leu) variant in PIGT gene has not been reported previously as a pathogenic variant nor as a benign variant, to our knowledge,